The following is an entry in ClinVar:

ClinVar aggregate classification (germline): Uncertain significance. Review status: criteria provided, multiple submitters, no conflicts (2 of 4 stars). 2 submissions from 2 submitters: Uncertain significance (2). Last evaluated 2024-10-11.

Conditions:
Developmental and epileptic encephalopathy, 53. Also called: Epileptic encephalopathy, early infantile, 53. Identifiers: MedGen C4479313, MONDO:0033362, OMIM 617389.

gnomAD v4.1: 1 of 1,613,824 alleles (0.000062%); highest among the groups gnomAD compares: Non-Finnish European, 0.000085%; no homozygotes.

Submissions (2):

3billion
Classification: Uncertain significance for Developmental and epileptic encephalopathy, 53. Last evaluated: 2024-10-11. Review status: criteria provided, single submitter. Criteria: ACMG Guidelines, 2015. Collection method: clinical testing. Allele origin: germline. Affected: yes.
Comment: The variant is observed at an extremely low frequency in the gnomAD v4.1.0 dataset (total allele frequency: <0.001%). Predicted Consequence/Location: Missense variant. The majority of the known disease-causing variants of this gene are variants expected to result in premature termination of the protein. Damaging effect on gene or gene product predicted by in silico programs is uncertain [REVEL: 0.45 (damaging >=0.6, benign <0.4), 3Cnet: 0.00 (damaging >=0.6, benign <0.15)]. A different missense change at the same codon (p.Arg420Pro) has been reported to be associated with SYNJ1 related disorder (ClinVar ID: VCV000393356 /PMID: 27496670). However the evidence of pathogenicity is insufficient at this time. Therefore, this variant is classified as VUS according to the recommendation of ACMG/AMP guideline.

GeneDx
Classification: Uncertain significance. Last evaluated: 2024-06-02. Review status: criteria provided, single submitter. Criteria: GeneDx Variant Classification Process June 2021. Collection method: clinical testing. Allele origin: germline. Affected: yes.
Comment: Not observed at significant frequency in large population cohorts (gnomAD); In silico analysis supports that this missense variant has a deleterious effect on protein structure/function; Has not been previously published as pathogenic or benign to our knowledge

Literature cited by the submitters: PubMed 27496670 (cited by 3billion).

NM_203446.3(SYNJ1):c.1258C>T (p.Arg420Cys)

Gene: SYNJ1 (synaptojanin 1; minus strand). Cytogenetic location: 21q22.11.
Variant type: single nucleotide variant.
Coding change: c.1258C>T on transcript NM_203446.3 (MANE Select); coding-DNA position 1258, C replaced by T.
Protein change: p.Arg420Cys; replaces arginine 420 with cysteine.
Molecular consequence: missense variant.
Genome position (GRCh38, 1-based): chr21:32,681,591, G>A on the plus strand (C>T on the coding strand, the complement: SYNJ1 is on the minus strand). VCF-style: chr21-32681591-G-A. GRCh37 (hg19) VCF-style: chr21-34053901-G-A.
Other names: c.1258C>T, p.Arg420Cys (NM_001160302.2, NM_001160306.2); c.1375C>T, p.Arg459Cys (NM_003895.4); short protein forms R420C, R459C.
Identifiers: ClinVar variation 3391544 (VCV003391544.2).
Genomic context (GRCh38, chr21:32,681,591, plus strand): 5'-ATATCTTACTGATTGAATCACCATTCACGGACCACATTGACCGAAAAACTTCTTGAAAGC[G>A]AGTCACCAACTGAGGCTTTTCAGCTAAACCAAGAGCTTCCAACTGTTTAGCTAGCATCTT-3'
Protein context (NP_982271.3, residues 410-430): GLAEKPQLVT[Arg420Cys]FQEVFRSMWS